The following is an entry in ClinVar:

NM_003491.4(NAA10):c.310G>A (p.Ala104Thr)

Gene: NAA10 (N-alpha-acetyltransferase 10, NatA catalytic subunit; minus strand). Cytogenetic location: Xq28.
Variant type: single nucleotide variant.
Coding change: c.310G>A on transcript NM_003491.4 (MANE Select); coding-DNA position 310, G replaced by A.
Protein change: p.Ala104Thr; replaces alanine 104 with threonine.
Molecular consequence: missense variant.
Genome position (GRCh38, 1-based): chrX:153,932,347, C>T on the plus strand (G>A on the coding strand, the complement: NAA10 is on the minus strand). VCF-style: chrX-153932347-C-T. GRCh37 (hg19) VCF-style: chrX-153197800-C-T.
Other names: c.310G>A, p.Ala104Thr (NM_001256119.2); c.292G>A, p.Ala98Thr (NM_001256120.2); short protein forms A104T, A98T.
Identifiers: ClinVar variation 3372891 (VCV003372891.1).
Genomic context (GRCh38, chrX:153,932,347, plus strand): 5'-AATCCCCCTTCCCTCAGCCCGGCTTCCACCTCTTCCTGACATGCAGGGAGACATATTTGG[C>T]ATTGAAGTTCTCTATCATGGCTCGAGAGGCCTGGTCCATCAGTTTCTGAGCCAGACCGAG-3'
Protein context (NP_003482.1, residues 94-114): ASRAMIENFN[Ala104Thr]KYVSLHVRKS

ClinVar aggregate classification (germline): Uncertain significance (1 of 4 stars; one submission).

Submission:

GeneDx
Classification: Uncertain significance. Last evaluated: 2024-04-24. Review status: criteria provided, single submitter. Criteria: GeneDx Variant Classification Process June 2021. Collection method: clinical testing. Allele origin: germline. Affected: yes.
Comment: Not observed at significant frequency in large population cohorts (gnomAD); In silico analysis supports that this missense variant has a deleterious effect on protein structure/function; Has not been previously published as pathogenic or benign to our knowledge